The following is an entry in ClinVar:

NM_000059.4(BRCA2):c.2681_2682delinsAG (p.Val894Glu)

Gene: BRCA2 (BRCA2 DNA repair associated; plus strand). Cytogenetic location: 13q13.1.
Variant type: Indel.
Coding change: c.2681_2682delinsAG on transcript NM_000059.4 (MANE Select); coding-DNA positions 2681 to 2682, TA replaced by AG.
Protein change: p.Val894Glu; replaces valine 894 with glutamic acid.
Molecular consequence: missense variant.
Genome position (GRCh38, 1-based): chr13:32,337,036-32,337,037, TA replaced by AG. VCF-style: chr13-32337036-TA-AG. GRCh37 (hg19) VCF-style: chr13-32911173-TA-AG.
Other names: c.2681_2682delTAinsAG (NM_000059.3); short protein forms V894E.
Identifiers: ClinVar variation 418908 (VCV000418908.5), dbSNP rs1064793516, ClinGen allele CA16619676.
Genomic context (GRCh38, chr13:32,337,036, plus strand): 5'-CTGTCAATCCAGACTCTGAAGAACTTTTCTCAGACAATGAGAATAATTTTGTCTTCCAAG[TA>AG]GCTAATGAAAGGAATAATCTTGCTTTAGGAAATACTAAGGAACTTCATGAAACAGACTTG-3'
Protein context (NP_000050.3, residues 884-904): SDNENNFVFQ[Val894Glu]ANERNNLALG

ClinVar aggregate classification (germline): Conflicting classifications of pathogenicity. Review status: criteria provided, conflicting classifications (1 of 4 stars). 3 submissions from 3 submitters: Uncertain significance (2); Likely benign (1). Last evaluated 2025-03-31.

Conditions:
Hereditary cancer-predisposing syndrome. Also called: Hereditary neoplastic syndrome; Tumor predisposition; Neoplastic Syndromes, Hereditary; Hereditary Cancer Syndrome. Identifiers: Orphanet 140162, MedGen C0027672, MeSH D009386, MONDO:0015356.

Submissions (3):

Ambry Genetics
Classification: Uncertain significance for Hereditary cancer-predisposing syndrome. Last evaluated: 2025-03-31. Review status: criteria provided, single submitter. Criteria: Ambry Variant Classification Scheme 2023. Collection method: clinical testing. Allele origin: germline.
Comment: The c.2681_2682delTAinsAG variant (also known as p.V894E), located in coding exon 10 of the BRCA2 gene, results from an in-frame deletion of TA and insertion of AG at nucleotide positions 2681 to 2682. This results in the substitution of the valine residue for a glutamic acid residue at codon 894, an amino acid with dissimilar properties. This amino acid position is not well conserved in available vertebrate species. In addition, the in silico prediction for this alteration is inconclusive (Choi Y et al. PLoS ONE. 2012; 7(10):e46688). Since supporting evidence is limited at this time, the clinical significance of this alteration remains unclear.

University of Washington Department of Laboratory Medicine, University of Washington
Classification: Likely benign for Hereditary cancer-predisposing syndrome. Last evaluated: 2023-03-23. Review status: criteria provided, single submitter. Criteria: Dines et al. (Genet Med. 2020). Collection method: curation. Allele origin: germline.
Comment: Missense variant in a coldspot region where missense variants are very unlikely to be pathogenic (PMID:31911673).

BRCA2 exon 11 coldspot. Reclassification based on statistical prior probability.

GeneDx
Classification: Uncertain significance. Last evaluated: 2015-04-15. Review status: criteria provided, single submitter. Criteria: GeneDx Variant Classification (06012015). Collection method: clinical testing. Allele origin: germline. Affected: yes.
Comment: This variant is denoted BRCA2 c.2681_2682delTAinsAG at the cDNA level, p.Val894Glu (V894E) at the protein level. The normal sequence, with the bases that are deleted and inserted in brackets, is CAAG(delTAinsAG)GCTA. This in frame deletion and insertion, also denoted BRCA2 2909_2910delTAinsAG using alternate nomenclature, occurs on the same allele (in cis) and results in the missense change of a Valine to a Glutamic Acid (GTA>GAG). This variant has not, to our knowledge, been published in the literature as pathogenic or benign. Neither BRCA2 c.2681_2682delTAinsAG nor BRCA2 Val894Glu (by this or an alternate nucleotide change) was observed in approximately 6,500 individuals of European and African American ancestry in the NHLBI Exome Sequencing Project, indicating it is not a common benign variant in these populations. Since Valine and Glutamic Acid differ in polarity, charge, size or other properties, this is considered a non-conservative amino acid substitution. BRCA2 Val894Glu occurs at a position that is not conserved across species and is located within the region of interaction with NPM1 (UniProt). In silico analyses are inconsistent regarding the effect this variant may have on protein structure and function. Based on currently available information, it is unclear whether BRCA2 Val894Glu is pathogenic or benign. We consider it to be a variant of uncertain significance.